The following is an entry in ClinVar:

ClinVar aggregate classification (germline): Uncertain significance (1 of 4 stars; one submission).

Conditions:
Baller-Gerold syndrome (BGS). Also called: CRANIOSYNOSTOSIS WITH RADIAL DEFECTS. Identifiers: Orphanet 1225, MedGen C0265308, MONDO:0009039, OMIM 218600.

Allele frequency attached by ClinVar (database versions not stated): gnomAD exomes 0.00001.
gnomAD v4.1: 9 of 1,569,834 alleles (0.00057%); highest among the groups gnomAD compares: Non-Finnish European, 0.00077%; no homozygotes.

Submission:

Labcorp Genetics (formerly Invitae), Labcorp
Classification: Uncertain significance for Baller-Gerold syndrome. Last evaluated: 2022-12-20. Review status: criteria provided, single submitter. Criteria: Invitae Variant Classification Sherloc (09022015). Collection method: clinical testing. Allele origin: germline.
Comment: This sequence change affects codon 71 of the RECQL4 mRNA. It is a 'silent' change, meaning that it does not change the encoded amino acid sequence of the RECQL4 protein. This variant also falls at the last nucleotide of exon 3, which is part of the consensus splice site for this exon. This variant is not present in population databases (gnomAD no frequency). This variant has not been reported in the literature in individuals affected with RECQL4-related conditions. ClinVar contains an entry for this variant (Variation ID: 1495464). Variants that disrupt the consensus splice site are a relatively common cause of aberrant splicing (PMID: 17576681, 9536098). Algorithms developed to predict the effect of sequence changes on RNA splicing suggest that this variant may disrupt the consensus splice site. In summary, the available evidence is currently insufficient to determine the role of this variant in disease. Therefore, it has been classified as a Variant of Uncertain Significance.

Literature cited by the submitters: PubMed 17576681; PubMed 9536098.

NM_004260.4(RECQL4):c.213G>A (p.Glu71=)

Gene: RECQL4 (RecQ like helicase 4; minus strand). Cytogenetic location: 8q24.3.
Variant type: single nucleotide variant.
Coding change: c.213G>A on transcript NM_004260.4 (MANE Select); coding-DNA position 213, G replaced by A.
Protein change: p.Glu71=; no amino-acid change (glutamic acid 71 retained).
Molecular consequence: synonymous variant.
Genome position (GRCh38, 1-based): chr8:144,517,414, C>T on the plus strand (G>A on the coding strand, the complement: RECQL4 is on the minus strand). VCF-style: chr8-144517414-C-T. GRCh37 (hg19) VCF-style: chr8-145742798-C-T.
Identifiers: ClinVar variation 1495464 (VCV001495464.6), dbSNP rs1564811591, ClinGen allele CA463567781.